The following is an entry in ClinVar:

NM_000257.4(MYH7):c.4751A>G (p.Glu1584Gly)

Genes: MHRT (myosin heavy chain associated RNA transcript; plus strand), MYH7 (myosin heavy chain 7; minus strand), LOC126861897 (BRD4-independent group 4 enhancer GRCh37_chr14:23884455-23885654; plus strand). Cytogenetic location: 14q11.2.
Variant type: single nucleotide variant.
Coding change: c.4751A>G on transcript NM_000257.4 (MANE Select); coding-DNA position 4751, A replaced by G.
Protein change: p.Glu1584Gly; replaces glutamic acid 1584 with glycine.
Molecular consequence: missense variant. On other transcripts: non-coding transcript variant (1).
Genome position (GRCh38, 1-based): chr14:23,416,206, T>C on the plus strand (A>G on the coding strand, the complement: MYH7 is on the minus strand). VCF-style: chr14-23416206-T-C. GRCh37 (hg19) VCF-style: chr14-23885415-T-C.
Other names: short protein forms E1584G.
Identifiers: ClinVar variation 1171923 (VCV001171923.3), dbSNP rs765004831, ClinGen allele CA043766.

ClinVar aggregate classification (germline): Uncertain significance (1 of 4 stars; one submission).

Conditions:
Cardiomyopathy (CMYO). Also called: Cardiomyopathies. Identifiers: Orphanet 167848, MedGen C0878544, MONDO:0004994, HP:0001638. Inheritance: Various modes of inheritance.

Allele frequency attached by ClinVar (database versions not stated): gnomAD exomes below 0.00001; ExAC 0.00001.

Submission:

Color Diagnostics, LLC DBA Color Health
Classification: Uncertain significance for Cardiomyopathy. Last evaluated: 2024-03-06. Review status: criteria provided, single submitter. Criteria: ACMG Guidelines, 2015. Collection method: clinical testing. Allele origin: germline.
Comment: This missense variant replaces glutamic acid with glycine at codon 1584 of the MYH7 protein. Computational prediction is inconclusive regarding the impact of this variant on protein structure and function (internally defined REVEL score threshold 0.5 < inconclusive < 0.7, PMID: 27666373). To our knowledge, functional studies have not been reported for this variant. This variant has not been reported in individuals affected with cardiovascular disorders in the literature. This variant has been identified in 1/251476 chromosomes in the general population by the Genome Aggregation Database (gnomAD). The available evidence is insufficient to determine the role of this variant in disease conclusively. Therefore, this variant is classified as a Variant of Uncertain Significance.